The following is an entry in ClinVar:

ClinVar aggregate classification (germline): Uncertain significance. Review status: criteria provided, multiple submitters, no conflicts (2 of 4 stars). 2 submissions from 2 submitters: Uncertain significance (2). Last evaluated 2025-05-18.

Conditions:
Pheochromocytoma/paraganglioma syndrome 4. Also called: CAROTID BODY TUMORS AND MULTIPLE EXTRAADRENAL PHEOCHROMOCYTOMAS; SDHB-Related Hereditary Paraganglioma-Pheochromocytoma Syndrome; Paragangliomas 4; SDHB-Related Hereditary Paraganglioma-Pheochromocytoma Syndrome (Paragangliomas 4); PARAGANGLIOMA, FAMILIAL MALIGNANT; PARAGANGLIOMAS, HEREDITARY EXTRAADRENAL. Identifiers: Orphanet 29072, MedGen C1861848, MONDO:0007273, OMIM 115310.
Gastrointestinal stromal tumor. Also called: Gastrointestinal stromal tumor, somatic; Gastrointestinal stroma tumor. Identifiers: Orphanet 44890, MedGen C0238198, MeSH D046152, MONDO:0011719, OMIM 606764, HP:0100723.
Pheochromocytoma. Also called: MAX-Related Hereditary Paraganglioma-Pheochromocytoma Syndrome. Identifiers: Orphanet 29072, MedGen C0031511, MONDO:0008233, OMIM 171300, HP:0002666.
Hereditary cancer-predisposing syndrome. Also called: Neoplastic Syndromes, Hereditary; Hereditary Cancer Syndrome; Hereditary neoplastic syndrome; Tumor predisposition. Identifiers: Orphanet 140162, MedGen C0027672, MeSH D009386, MONDO:0015356.

Submissions (2):

Ambry Genetics
Classification: Uncertain significance for Hereditary cancer-predisposing syndrome. Last evaluated: 2025-05-18. Review status: criteria provided, single submitter. Criteria: Ambry Variant Classification Scheme 2023. Collection method: clinical testing. Allele origin: germline.
Comment: The p.G28R variant (also known as c.82G>A), located in coding exon 2 of the SDHB gene, results from a G to A substitution at nucleotide position 82. The glycine at codon 28 is replaced by arginine, an amino acid with dissimilar properties. This amino acid position is conserved. In addition, the in silico prediction for this alteration is inconclusive. Based on the available evidence, the clinical significance of this variant remains unclear.

Labcorp Genetics (formerly Invitae), Labcorp
Classification: Uncertain significance for Gastrointestinal stromal tumor; Pheochromocytoma/paraganglioma syndrome 4; Pheochromocytoma. Last evaluated: 2023-11-04. Review status: criteria provided, single submitter. Criteria: Invitae Variant Classification Sherloc (09022015). Collection method: clinical testing. Allele origin: germline.
Comment: This sequence change replaces glycine, which is neutral and non-polar, with arginine, which is basic and polar, at codon 28 of the SDHB protein (p.Gly28Arg). This variant is not present in population databases (gnomAD no frequency). This variant has not been reported in the literature in individuals affected with SDHB-related conditions. ClinVar contains an entry for this variant (Variation ID: 967347). Advanced modeling of protein sequence and biophysical properties (such as structural, functional, and spatial information, amino acid conservation, physicochemical variation, residue mobility, and thermodynamic stability) performed at Invitae indicates that this missense variant is not expected to disrupt SDHB protein function with a negative predictive value of 95%. In summary, the available evidence is currently insufficient to determine the role of this variant in disease. Therefore, it has been classified as a Variant of Uncertain Significance.

NM_003000.3(SDHB):c.82G>A (p.Gly28Arg)

Gene: SDHB (succinate dehydrogenase complex iron sulfur subunit B; minus strand). Cytogenetic location: 1p36.13.
Variant type: single nucleotide variant.
Coding change: c.82G>A on transcript NM_003000.3 (MANE Select); coding-DNA position 82, G replaced by A.
Protein change: p.Gly28Arg; replaces glycine 28 with arginine.
Molecular consequence: missense variant.
Genome position (GRCh38, 1-based): chr1:17,044,879, C>T on the plus strand (G>A on the coding strand, the complement: SDHB is on the minus strand). VCF-style: chr1-17044879-C-T. GRCh37 (hg19) VCF-style: chr1-17371374-C-T.
Other names: short protein forms G28R.
Identifiers: ClinVar variation 967347 (VCV000967347.8), dbSNP rs2078100857, ClinGen allele CA338228400.